The following is an entry in ClinVar:

NM_000138.5(FBN1):c.6471T>A (p.Tyr2157Ter)

Gene: FBN1 (fibrillin 1; minus strand). Cytogenetic location: 15q21.1.
Variant type: single nucleotide variant.
Coding change: c.6471T>A on transcript NM_000138.5 (MANE Select); coding-DNA position 6471, T replaced by A.
Protein change: p.Tyr2157Ter; replaces tyrosine 2157 with a stop codon.
Molecular consequence: nonsense.
Genome position (GRCh38, 1-based): chr15:48,436,986, A>T on the plus strand (T>A on the coding strand, the complement: FBN1 is on the minus strand). VCF-style: chr15-48436986-A-T. GRCh37 (hg19) VCF-style: chr15-48729183-A-T.
Other names: short protein forms Y2157*.
Identifiers: ClinVar variation 406286 (VCV000406286.9), dbSNP rs1060501034, ClinGen allele CA16614408.

ClinVar aggregate classification (germline): Pathogenic (1 of 4 stars; one submission).

Conditions:
Marfan syndrome (MFS). Also called: Marfan syndrome, classic; Marfan syndrome type 1; Marfan's syndrome; MARFAN SYNDROME, TYPE I; FBN1-Related Marfan Syndrome. Identifiers: Orphanet 284963, Orphanet 558, MedGen C0024796, MONDO:0007947, OMIM 154700.
Familial thoracic aortic aneurysm and aortic dissection (TAAD). Also called: Thoracic aortic aneurysms and dissections. Identifiers: Orphanet 91387, MedGen C4707243, MONDO:0019625.

Submission:

Labcorp Genetics (formerly Invitae), Labcorp
Classification: Pathogenic for Marfan syndrome; Familial thoracic aortic aneurysm and aortic dissection. Last evaluated: 2016-11-28. Review status: criteria provided, single submitter. Criteria: Invitae Variant Classification Sherloc (09022015). Collection method: clinical testing. Allele origin: germline.
Comment: For these reasons, this variant has been classified as Pathogenic. While this particular variant has not been reported in the literature, loss-of-function variants in FBN1 are known to be pathogenic (PMID: 17657824, 19293843) This sequence change creates a premature translational stop signal at codon 2157 (p.Tyr2157*) of the FBN1 gene. It is expected to result in an absent or disrupted protein product.

Literature cited by the submitters: PubMed 17657824; PubMed 19293843.